The following is an entry in ClinVar:

NM_001143830.3(GAS2):c.533C>T (p.Thr178Ile)

Gene: GAS2 (growth arrest specific 2; plus strand). Cytogenetic location: 11p14.3.
Variant type: single nucleotide variant.
Coding change: c.533C>T on transcript NM_001143830.3 (MANE Select); coding-DNA position 533, C replaced by T.
Protein change: p.Thr178Ile; replaces threonine 178 with isoleucine.
Molecular consequence: missense variant. On other transcripts: non-coding transcript variant (1).
Genome position (GRCh38, 1-based): chr11:22,749,179, C>T. VCF-style: chr11-22749179-C-T. GRCh37 (hg19) VCF-style: chr11-22770725-C-T.
Other names: c.533C>T, p.Thr178Ile (NM_001351224.3, NM_001391933.1, NM_001391934.1 and 5 more transcripts); short protein forms T178I.
Identifiers: ClinVar variation 3383945 (VCV003383945.1).

ClinVar aggregate classification (germline): Likely pathogenic (0 of 4 stars; one submission).

Conditions:
Hearing loss, autosomal recessive 125. Also called: DEAFNESS, AUTOSOMAL RECESSIVE 125. Identifiers: MedGen C5935633, MONDO:0971152, OMIM 620877.

Submission:

Wonkam Laboratory, Johns Hopkins University
Classification: Likely pathogenic for Hearing loss, autosomal recessive 125. Last evaluated: 2024-01-06. Review status: no assertion criteria provided. Collection method: research. Allele origin: unknown. Inheritance: Autosomal dominant inheritance. Affected: yes. Observed: 2 variant alleles.
Comment: The variant NM_005256.4 c.533C>T is located in a mutational hot spot and/or critical and well-established functional domain (PM1), Absent from controls (or at extremely low frequency if recessive) in Exome Sequencing Project, 1000 Genomes Project, or Exome Aggregation Consortium (PM2), Cosegregation with disease in multiple affected family members in a gene definitively known to cause the disease (PP1), Patient's phenotype or family history is highly specific for a disease with a single genetic etiology (PP4). This variant was found in hetrozygote state in afffected individuals. Previous studies reported autosomal recessive and more recently autosomal dominant GAS2 related hearing loss.